The following is an entry in ClinVar:

NM_001854.4(COL11A1):c.1240A>G (p.Thr414Ala)

Gene: COL11A1 (collagen type XI alpha 1 chain; minus strand). Cytogenetic location: 1p21.1.
Variant type: single nucleotide variant.
Coding change: c.1240A>G on transcript NM_001854.4 (MANE Select); coding-DNA position 1240, A replaced by G.
Protein change: p.Thr414Ala; replaces threonine 414 with alanine.
Molecular consequence: missense variant. On other transcripts: non-coding transcript variant (1), intron variant (1).
Genome position (GRCh38, 1-based): chr1:103,022,747, T>C on the plus strand (A>G on the coding strand, the complement: COL11A1 is on the minus strand). VCF-style: chr1-103022747-T-C. GRCh37 (hg19) VCF-style: chr1-103488303-T-C.
Other names: c.1123A>G, p.Thr375Ala (NM_001190709.2); c.1276A>G, p.Thr426Ala (NM_080629.3); c.898-978A>G (NM_080630.4); short protein forms T414A, T375A, T426A.
Identifiers: ClinVar variation 2771494 (VCV002771494.3), dbSNP rs2525580279, ClinGen allele CA341154168.
Genomic context (GRCh38, chr1:103,022,747, plus strand): 5'-TAAAAATATCCCATAAATAAGACATACAATGACACAGTGCATAGTATCAACTTACGCTTG[T>C]TTCTGTAATATCAGTTTCTGCTGGTACACCTGGACCAAATTCTTCATTAGGGGGGCTTGT-3'
Protein context (NP_001845.3, residues 404-424): GVPAETDITE[Thr414Ala]SINGHGAYGE

ClinVar aggregate classification (germline): Uncertain significance (1 of 4 stars; one submission).

Submission:

Labcorp Genetics (formerly Invitae), Labcorp
Classification: Uncertain significance. Last evaluated: 2023-10-23. Review status: criteria provided, single submitter. Criteria: Invitae Variant Classification Sherloc (09022015). Collection method: clinical testing. Allele origin: germline.
Comment: This sequence change replaces threonine, which is neutral and polar, with alanine, which is neutral and non-polar, at codon 414 of the COL11A1 protein (p.Thr414Ala). This variant is not present in population databases (gnomAD no frequency). This variant has not been reported in the literature in individuals affected with COL11A1-related conditions. Advanced modeling of protein sequence and biophysical properties (such as structural, functional, and spatial information, amino acid conservation, physicochemical variation, residue mobility, and thermodynamic stability) performed at Invitae indicates that this missense variant is not expected to disrupt COL11A1 protein function with a negative predictive value of 80%. In summary, the available evidence is currently insufficient to determine the role of this variant in disease. Therefore, it has been classified as a Variant of Uncertain Significance.